The following is an entry in ClinVar:

ClinVar aggregate classification (germline): Likely pathogenic (1 of 4 stars; one submission).

Conditions:
Perlman syndrome (PRLMNS). Identifiers: Orphanet 2849, MedGen C0796113, MONDO:0009965, OMIM 267000.

Submission:

Dr. med. U. Finckh, Human Genetics, Eurofins MVZ
Classification: Likely pathogenic for Perlman syndrome. Last evaluated: 2022-02-08. Review status: criteria provided, single submitter. Criteria: ACMG Guidelines, 2015. Collection method: clinical testing. Allele origin: germline. Affected: no. Observed: 2 heterozygotes.
Comment: presumably asymptomatic carriers

NM_152383.5(DIS3L2):c.1117del (p.Asp373fs)

Gene: DIS3L2 (DIS3 like 3'-5' exoribonuclease 2; plus strand). Cytogenetic location: 2q37.1.
Variant type: Deletion.
Coding change: c.1117del on transcript NM_152383.5 (MANE Select); coding-DNA position 1117, one base deleted (G; older notation c.1117delG).
Protein change: p.Asp373fs; shifts the reading frame from aspartic acid 373.
Molecular consequence: frameshift variant. On other transcripts: non-coding transcript variant (2).
Genome position (GRCh38, 1-based): chr2:232,163,625, G deleted; the last of 3 consecutive G bases (chr2:232,163,623-232,163,625); deleting any one gives the same sequence. VCF-style (leftmost placement, unchanged base first): chr2-232163622-AG-A. GRCh37 (hg19) VCF-style: chr2-233028332-AG-A.
Other names: c.1117del, p.Asp373fs (NM_001257281.2); short protein forms D373fs.
Identifiers: ClinVar variation 2581034 (VCV002581034.1), dbSNP rs2469895875, ClinGen allele CA2580618124.